The following is an entry in ClinVar:

NM_000138.5(FBN1):c.7726C>T (p.Arg2576Cys)

Gene: FBN1 (fibrillin 1; minus strand). Cytogenetic location: 15q21.1.
Variant type: single nucleotide variant.
Coding change: c.7726C>T on transcript NM_000138.5 (MANE Select); coding-DNA position 7726, C replaced by T.
Protein change: p.Arg2576Cys; replaces arginine 2576 with cysteine.
Molecular consequence: missense variant.
Genome position (GRCh38, 1-based): chr15:48,420,780, G>A on the plus strand (C>T on the coding strand, the complement: FBN1 is on the minus strand). VCF-style: chr15-48420780-G-A. GRCh37 (hg19) VCF-style: chr15-48712977-G-A.
Other names: FBN1, ARG2576CYS (rs147195031); NM_000138.5(FBN1):c.7726C>T; short protein forms R2576C.
Identifiers: ClinVar variation 36118 (VCV000036118.32), dbSNP rs147195031, ClinGen allele CA017349.

ClinVar aggregate classification (germline): Pathogenic. Review status: reviewed by expert panel (3 of 4 stars). 11 submissions from 11 submitters: Pathogenic (1). 10 of the submissions do not count toward it. Last evaluated 2024-08-22.

Conditions:
Isolated thoracic aortic aneurysm.
Marfan Syndrome/Loeys-Dietz Syndrome/Familial Thoracic Aortic Aneurysms and Dissections. Identifiers: MedGen CN229799.
Familial thoracic aortic aneurysm and aortic dissection (TAAD). Also called: Thoracic aortic aneurysms and dissections. Identifiers: Orphanet 91387, MedGen C4707243, MONDO:0019625.
Marfan syndrome (MFS). Also called: FBN1-Related Marfan Syndrome; Marfan syndrome, classic; MARFAN SYNDROME, TYPE I; Marfan syndrome type 1; Marfan's syndrome. Identifiers: Orphanet 284963, Orphanet 558, MedGen C0024796, MONDO:0007947, OMIM 154700.
MARFAN SYNDROME, AUTOSOMAL RECESSIVE. Identifiers: MedGen C4016059.
FBN1-related disorder. Also called: FBN1-related disorders.

Allele frequency attached by ClinVar (database versions not stated): ExAC 0.00001.
gnomAD v4.1: 2 of 1,613,990 alleles (0.00012%); highest among the groups gnomAD compares: Non-Finnish European, 0.00017%; no homozygotes.

Submissions 1 to 8 of 11:

ClinGen FBN1 Variant Curation Expert Panel, ClinGen
Classification: Pathogenic for Marfan syndrome. Last evaluated: 2024-08-22. Review status: reviewed by expert panel. Criteria: Assertion Criteria VCEP FBN1 Version 1. Collection method: curation. Allele origin: germline. Inheritance: Autosomal dominant inheritance.
Comment: The NM_00138 c.7726C>T is a missense variant in FBN1 predicted to cause a substitution of an arginine by cysteine at amino acid 2576 (p.Arg2576Cys) within a calcium binding EGF-like domain of the protein (PM1). This variant has been reported nine times in ClinVar: five times as pathogenic, three times as likely pathogenic, and once as uncertain significance (Variation ID: 36118). This variant has also been identified in at least 9 individuals with clinical diagnosis of MFS as well as in individuals with clinical features of MFS (PMID 24161884, 31830381, 33711475, 23278365, 33824467, 37042257, internal lab data; PS4). In three individuals with MFS, this variant was reported to be de novo, without confirmation of parental relationships (internal lab data, Prevention Genetics ClinVar, PM6). In at least 5 families with MFS, the variant was found to segregate with MFS and/or clinical features of MFS in several affected relatives (Internal lab data, Laboratory Corporation of America ClinVar, PP1_Strong). This variant is present in in 1/250782 (0.0004%) of alleles tested in gnomAD but did not pass the quality control criteria in the exome subset (PM2_Sup; v2.1.1). Computational prediction tools and conservation analysis are inconclusive with regards to a possible impact on this variant’s protein function and structure (REVEL: 0.686). The constraint z-score for missense variants affecting FBN1 is 5.06 (PP2). In summary, this variant meets criteria to be classified as pathogenic for Marfan syndrome based on the ACMG/AMP criteria applied, as specified by the ClinGen FBN1 VCEP: PS4, PP1_Strong, PM1, PM6, PM2_Sup, PP2, PP4

GeneDx
Classification: Likely pathogenic. Last evaluated: 2026-09-30. Review status: criteria provided, single submitter. Criteria: GeneDx Variant Classification Process June 2021. Collection method: clinical testing. Allele origin: germline. Not counted in ClinVar's aggregate classification.
Comment: Introduces a new cysteine residue within an EGF-like domain of the FBN1 gene, which may affect disulfide bonding and is predicted to alter the structure and function of the protein; cysteine substitutions in the EGF-like domains represent the majority of pathogenic missense changes associated with FBN1-related disorders (PMID: 12938084); Not observed at significant frequency in large population cohorts (gnomAD); In silico analysis supports that this missense variant has a deleterious effect on protein structure/function; This variant is associated with the following publications: (PMID: 16571647, 17701892, 12938084, 24698609, 26787436, 16677079, 15161917, 4750422, 26272055, 33824467, 38190127, 23278365, 24161884, 31830381)

Labcorp Genetics (formerly Invitae), Labcorp
Classification: Pathogenic for Marfan syndrome; Familial thoracic aortic aneurysm and aortic dissection. Last evaluated: 2025-11-18. Review status: criteria provided, single submitter. Criteria: Invitae Variant Classification Sherloc (09022015). Collection method: clinical testing. Allele origin: germline. Not counted in ClinVar's aggregate classification.
Comment: This sequence change replaces arginine, which is basic and polar, with cysteine, which is neutral and slightly polar, at codon 2576 of the FBN1 protein (p.Arg2576Cys). This variant is present in population databases (rs147195031, gnomAD 0.01%). This missense change has been observed in individuals with Marfan syndrome (PMID: 23278365, 24161884, 26272055, 26787436; internal data). ClinVar contains an entry for this variant (Variation ID: 36118). Invitae Evidence Modeling of protein sequence and biophysical properties (such as structural, functional, and spatial information, amino acid conservation, physicochemical variation, residue mobility, and thermodynamic stability) indicates that this missense variant is expected to disrupt FBN1 protein function with a positive predictive value of 95%. For these reasons, this variant has been classified as Pathogenic.

Ambry Genetics
Classification: Pathogenic for Familial thoracic aortic aneurysm and aortic dissection. Last evaluated: 2025-11-14. Review status: criteria provided, single submitter. Criteria: Ambry Variant Classification Scheme 2023. Collection method: clinical testing. Allele origin: germline. Not counted in ClinVar's aggregate classification.
Comment: The p.R2576C pathogenic mutation (also known as c.7726C>T), located in coding exon 62 of the FBN1 gene, results from a C to T substitution at nucleotide position 7726. The arginine at codon 2576 is replaced by cysteine, an amino acid with highly dissimilar properties. The majority of FBN1 mutations identified to date have involved the substitution or generation of cysteine residues within cbEGF domains (Vollbrandt T et al. J Biol Chem. 2004;279(31):32924-32931). This variant was reported in individual(s) with features consistent with Marfan syndrome (MFS) (Aalberts JJ et al. Gene. 2014;534(1):40-3; Baudhuin LM et al. J Hum Genet. 2015 May;60(5):241-52; Guo J. Sci Rep. 2015 Aug;5:13115; Franken R et al. Eur Heart J. 2016 Nov;37(43):3285-3290; Li Y et al. Eur J Hum Genet. 2021 07;29(7):1129-1138; Ambry internal data). This variant was observed in a homozygous patient with severe features of MFS and other clinical findings; however, the patient's heterozygous mother reportedly did not have MFS phenotype (Hogue J et al. Clin Genet. 2013;84(4):392-3). Based on internal structural analysis, this variant may interfere with disulfide formation by forming alternative disulfide bonds, thereby perturbing the structure of a flexible loop; however, the role of this loop and its structure on the function of FBN1 is unclear (Bersch B et al. Biochemistry, 1998 Feb;37:1204-14). This amino acid position is highly conserved in available vertebrate species. In addition, this alteration is predicted to be deleterious by in silico analysis. Based on the supporting evidence, this alteration is interpreted as a disease-causing mutation.

Women's Health and Genetics/Laboratory Corporation of America, LabCorp
Classification: Pathogenic for Marfan Syndrome/Loeys-Dietz Syndrome/Familial Thoracic Aortic Aneurysms and Dissections. Last evaluated: 2023-12-05. Review status: criteria provided, single submitter. Criteria: LabCorp Variant Classification Summary - May 2015. Collection method: clinical testing. Allele origin: germline. Not counted in ClinVar's aggregate classification.
Comment: Variant summary: FBN1 c.7726C>T (p.Arg2576Cys) results in a non-conservative amino acid change, introducing a novel cysteine in the EGF-like domain (IPR000742), which is functionally important to form disulfide bonds in FBN1. Five of five in-silico tools predict a damaging effect of the variant on protein function. The variant allele was found at a frequency of 1.4e-06 in 1461742 control chromosomes (gnomAD). This variant was found to co-segregate with Marfan Syndrome in 3 patients in our internal testing family with detailed clinical information. Additionally, c.7726C>T has been reported in the literature in at least three individuals affected with Marfan Syndrome who met Ghent criteria (e.g. Aalberts_2014, Xu_2020, Mariucci_2021), one suspected MFS patient who didn't meet Ghent criteria (Baudhuin_2015), and in at least one individual with sporadic thoracic aortic aneurysm and dissections (e.g. Guo_2015). These data indicate that the variant is very likely to be associated with disease. To our knowledge, no experimental evidence demonstrating an impact on protein function has been reported. The following publications have been ascertained in the context of this evaluation (PMID: 24161884, 25652356, 26787436, 26272055, 23278365, 33824467, 33711475, 31830381). Eight submitters have cited clinical-significance assessments for this variant to ClinVar after 2014. Six submitters classified the variant as pathogenic/likely pathogenic and two classified it as uncertain significance. Based on the evidence outlined above, the variant was classified as pathogenic.

Revvity Omics, Revvity
Classification: Likely pathogenic. Last evaluated: 2022-04-25. Review status: criteria provided, single submitter. Criteria: ACMG Guidelines, 2015. Collection method: clinical testing. Allele origin: germline. Not counted in ClinVar's aggregate classification.

Blueprint Genetics
Classification: Pathogenic for FBN1-related disorders. Last evaluated: 2018-09-28. Review status: criteria provided, single submitter. Criteria: ACMG Guidelines, 2015. Collection method: clinical testing. Allele origin: germline. Affected: yes. Observed: 2 variant alleles. Not counted in ClinVar's aggregate classification.

Department of Vascular Biology, Beijing Anzhen Hospital
Classification: Likely pathogenic for Isolated thoracic aortic aneurysm. Last evaluated: 2018-09-01. Review status: criteria provided, single submitter. Criteria: ACMG Guidelines, 2015. Collection method: research. Allele origin: germline. Affected: yes. Not counted in ClinVar's aggregate classification.